The following is an entry in ClinVar:

NM_001457.4(FLNB):c.3698T>A (p.Val1233Asp)

Gene: FLNB (filamin B; plus strand). Cytogenetic location: 3p14.3.
Variant type: single nucleotide variant.
Coding change: c.3698T>A on transcript NM_001457.4 (MANE Select); coding-DNA position 3698, T replaced by A.
Protein change: p.Val1233Asp; replaces valine 1233 with aspartic acid.
Molecular consequence: missense variant.
Genome position (GRCh38, 1-based): chr3:58,123,664, T>A. VCF-style: chr3-58123664-T-A. GRCh37 (hg19) VCF-style: chr3-58109391-T-A.
Other names: c.3698T>A, p.Val1233Asp (NM_001164317.2, NM_001164318.2, NM_001164319.2); short protein forms V1233D.
Identifiers: ClinVar variation 2858963 (VCV002858963.3), dbSNP rs2471124973, ClinGen allele CA353349336.

ClinVar aggregate classification (germline): Uncertain significance (1 of 4 stars; one submission).

Submission:

Labcorp Genetics (formerly Invitae), Labcorp
Classification: Uncertain significance. Last evaluated: 2023-04-24. Review status: criteria provided, single submitter. Criteria: Invitae Variant Classification Sherloc (09022015). Collection method: clinical testing. Allele origin: germline.
Comment: Advanced modeling of protein sequence and biophysical properties (such as structural, functional, and spatial information, amino acid conservation, physicochemical variation, residue mobility, and thermodynamic stability) performed at Invitae indicates that this missense variant is not expected to disrupt FLNB protein function. In summary, the available evidence is currently insufficient to determine the role of this variant in disease. Therefore, it has been classified as a Variant of Uncertain Significance. This variant is not present in population databases (gnomAD no frequency). This sequence change replaces valine, which is neutral and non-polar, with aspartic acid, which is acidic and polar, at codon 1233 of the FLNB protein (p.Val1233Asp). This variant has not been reported in the literature in individuals affected with FLNB-related conditions.